The following is an entry in ClinVar:

NM_001165963.4(SCN1A):c.3104_3110del (p.Gln1035fs)

Genes: SCN1A (sodium voltage-gated channel alpha subunit 1; minus strand), LOC102724058 (uncharacterized LOC102724058; plus strand). Cytogenetic location: 2q24.3.
Variant type: Deletion.
Coding change: c.3104_3110del on transcript NM_001165963.4 (MANE Select); coding-DNA positions 3104 to 3110, 7 bases deleted (AACAGTC; older notation c.3104_3110delAACAGTC).
Protein change: p.Gln1035fs; shifts the reading frame from glutamine 1035.
Molecular consequence: frameshift variant. On other transcripts: non-coding transcript variant (2).
Genome position (GRCh38, 1-based): chr2:166,036,367-166,036,373, GACTGTT deleted on the plus strand (AACAGTC on the coding strand, the reverse complement: SCN1A is on the minus strand); deleting any 7 consecutive bases within chr2:166,036,367-166,036,375 gives the same sequence; the c. name uses the placement nearest the transcript's 3' end. VCF-style (leftmost placement, unchanged base first): chr2-166036366-GGACTGTT-G. GRCh37 (hg19) VCF-style: chr2-166892876-GGACTGTT-G.
Other names: c.3020_3026del, p.Gln1007fs (NM_001165964.3, NM_001353957.2, NM_001353958.2); c.3104_3110del, p.Gln1035fs (NM_001202435.3, NM_001353948.2); c.3071_3077del, p.Gln1024fs (NM_001353949.2, NM_001353950.2, NM_001353951.2 and 2 more transcripts); c.3068_3074del, p.Gln1023fs (NM_001353954.2, NM_001353955.2); c.3017_3023del, p.Gln1006fs (NM_001353960.2); c.662_668del, p.Gln221fs (NM_001353961.2); short protein forms Q1006fs, Q1035fs, Q221fs, Q1023fs, Q1007fs, Q1024fs.
Identifiers: ClinVar variation 653213 (VCV000653213.7), dbSNP rs1574170908, ClinGen allele CA915942890.

ClinVar aggregate classification (germline): Pathogenic (1 of 4 stars; one submission).

Conditions:
Early-infantile DEE. Also called: Early infantile epileptic encephalopathy with suppression bursts; Early infantile epileptic encephalopathy; Ohtahara syndrome. Identifiers: Orphanet 1934, MedGen C0393706, MONDO:0800491.

Submission:

Labcorp Genetics (formerly Invitae), Labcorp
Classification: Pathogenic for Early-infantile DEE. Last evaluated: 2018-10-18. Review status: criteria provided, single submitter. Criteria: Invitae Variant Classification Sherloc (09022015). Collection method: clinical testing. Allele origin: germline.
Comment: This sequence change creates a premature translational stop signal (p.Gln1035Profs*9) in the SCN1A gene. It is expected to result in an absent or disrupted protein product. For these reasons, this variant has been classified as Pathogenic. Loss-of-function variants in SCN1A are known to be pathogenic (PMID: 17347258, 18930999). This variant has not been reported in the literature in individuals with SCN1A-related disease. This variant is not present in population databases (ExAC no frequency).

Literature cited by the submitters: PubMed 17347258; PubMed 18930999.